The following is an entry in ClinVar:

ClinVar aggregate classification (germline): Uncertain significance (1 of 4 stars; one submission).

Submission:

Labcorp Genetics (formerly Invitae), Labcorp
Classification: Uncertain significance. Last evaluated: 2022-06-05. Review status: criteria provided, single submitter. Criteria: Invitae Variant Classification Sherloc (09022015). Collection method: clinical testing. Allele origin: germline.
Comment: Information on the frequency of this variant in the gnomAD database is not available, as this variant may be reported differently in the database. This variant has not been reported in the literature in individuals affected with ROR2-related conditions. ClinVar contains an entry for this variant (Variation ID: 1395981). Algorithms developed to predict the effect of missense changes on protein structure and function are either unavailable or do not agree on the potential impact of this missense change (SIFT: "Not Available"; PolyPhen-2: "Possibly Damaging"; Align-GVGD: "Not Available"). In summary, the available evidence is currently insufficient to determine the role of this variant in disease. Therefore, it has been classified as a Variant of Uncertain Significance. This sequence change replaces glutamic acid, which is acidic and polar, with leucine, which is neutral and non-polar, at codon 257 of the ROR2 protein (p.Glu257Leu).

NM_004560.4(ROR2):c.769_770delinsTT (p.Glu257Leu)

Gene: ROR2 (receptor tyrosine kinase like orphan receptor 2; minus strand). Cytogenetic location: 9q22.31.
Variant type: Indel.
Coding change: c.769_770delinsTT on transcript NM_004560.4 (MANE Select); coding-DNA positions 769 to 770, GA replaced by TT.
Protein change: p.Glu257Leu; replaces glutamic acid 257 with leucine.
Molecular consequence: missense variant.
Genome position (GRCh38, 1-based): chr9:91,733,289-91,733,290, TC replaced by AA on the plus strand (GA replaced by TT on the coding strand, the reverse complement: ROR2 is on the minus strand). VCF-style: chr9-91733289-TC-AA. GRCh37 (hg19) VCF-style: chr9-94495571-TC-AA.
Other names: c.769_770delinsTT, p.Glu257Leu (NM_001318204.2); short protein forms E257L.
Identifiers: ClinVar variation 1395981 (VCV001395981.6), dbSNP rs2118701033, ClinGen allele CA2573144755.